The following is an entry in ClinVar:

ClinVar aggregate classification (germline): Uncertain significance (1 of 4 stars; one submission).

Conditions:
Genitopatellar syndrome (GTPTS). Also called: Genitopatellar syndrome (GPS); ABSENT PATELLAE, SCROTAL HYPOPLASIA, RENAL ANOMALIES, FACIAL DYSMORPHISM, AND MENTAL RETARDATION. Identifiers: Orphanet 85201, MedGen C1853566, MONDO:0011640, OMIM 606170.

Allele frequency attached by ClinVar (database versions not stated): ExAC 0.00001.

Submission:

Labcorp Genetics (formerly Invitae), Labcorp
Classification: Uncertain significance for Genitopatellar syndrome. Last evaluated: 2022-10-27. Review status: criteria provided, single submitter. Criteria: Invitae Variant Classification Sherloc (09022015). Collection method: clinical testing. Allele origin: germline.
Comment: This variant has not been reported in the literature in individuals affected with KAT6B-related conditions. This variant is present in population databases (rs763927532, gnomAD 0.006%). This sequence change replaces arginine, which is basic and polar, with threonine, which is neutral and polar, at codon 634 of the KAT6B protein (p.Arg634Thr). Algorithms developed to predict the effect of missense changes on protein structure and function (SIFT, PolyPhen-2, Align-GVGD) all suggest that this variant is likely to be tolerated. In summary, the available evidence is currently insufficient to determine the role of this variant in disease. Therefore, it has been classified as a Variant of Uncertain Significance.

NM_012330.4(KAT6B):c.1901G>C (p.Arg634Thr)

Gene: KAT6B (lysine acetyltransferase 6B; plus strand). Cytogenetic location: 10q22.2.
Variant type: single nucleotide variant.
Coding change: c.1901G>C on transcript NM_012330.4 (MANE Select); coding-DNA position 1901, G replaced by C.
Protein change: p.Arg634Thr; replaces arginine 634 with threonine.
Molecular consequence: missense variant. On other transcripts: intron variant (13).
Genome position (GRCh38, 1-based): chr10:74,976,238, G>C. VCF-style: chr10-74976238-G-C. GRCh37 (hg19) VCF-style: chr10-76735996-G-C.
Other names: c.1901G>C, p.Arg634Thr (NM_001370136.1, NM_001370137.1); c.1117+784G>C (NM_001370139.1, NM_001370140.1, NM_001370141.1 and 3 more transcripts); c.1444+457G>C (NM_001370138.1, NM_001256468.2); c.846+6463G>C (NM_001370133.1); c.193-2986G>C (NM_001370134.1); c.929-1078G>C (NM_001370143.1, NM_001370144.1); c.193-12781G>C (NM_001370135.1); short protein forms R634T.
Identifiers: ClinVar variation 2888747 (VCV002888747.3), dbSNP rs763927532, ClinGen allele CA5564482.